The following is an entry in ClinVar:

NM_001372044.2(SHANK3):c.3397C>T (p.Leu1133=)

Gene: SHANK3 (SH3 and multiple ankyrin repeat domains 3; plus strand). Cytogenetic location: 22q13.33.
Variant type: single nucleotide variant.
Coding change: c.3397C>T on transcript NM_001372044.2 (MANE Select); coding-DNA position 3397, C replaced by T.
Protein change: p.Leu1133=; no amino-acid change (leucine 1133 retained).
Molecular consequence: synonymous variant.
Genome position (GRCh38, 1-based): chr22:50,721,005, C>T. VCF-style: chr22-50721005-C-T. GRCh37 (hg19) VCF-style: chr22-51159433-C-T.
Identifiers: ClinVar variation 4848960 (VCV004848960.1).

ClinVar aggregate classification (germline): Uncertain significance (1 of 4 stars; one submission).

Submission:

Women's Health and Genetics/Laboratory Corporation of America, LabCorp
Classification: Uncertain significance. Last evaluated: 2026-04-01. Review status: criteria provided, single submitter. Criteria: LabCorp Variant Classification Summary - May 2015. Collection method: clinical testing. Allele origin: germline.
Comment: Variant summary: SHANK3 c.3397C>T (p.Pro1133Ser) results in a non-conservative amino acid change in the encoded protein sequence. Algorithms developed to predict the effect of missense changes on protein structure and function are either unavailable or do not agree on the potential impact of this missense change. The frequency data for this variant in gnomAD is considered unreliable, as metrics indicate poor data quality at this position. To our knowledge, no occurrence of c.3397C>T in individuals affected with SHANK3-related conditions and no experimental evidence demonstrating its impact on protein function have been reported. No submitters have cited clinical-significance assessments for this variant to ClinVar. Based on the evidence outlined above, the variant was classified as uncertain significance.